The following is an entry in ClinVar:

ClinVar aggregate classification (germline): Benign (1 of 4 stars; one submission).

Allele frequency attached by ClinVar (database versions not stated): TOPMed 0.85209; gnomAD 0.85899 and 0.86819; 1000 Genomes Project 30x 0.86165; 1000 Genomes Project 0.86861.
gnomAD v4.1: 132,236 of 152,156 alleles (87%); highest among the groups gnomAD compares: East Asian, 100%; 59,540 homozygotes.

Submission:

GeneDx
Classification: Benign. Last evaluated: 2018-06-14. Review status: criteria provided, single submitter. Criteria: GeneDx Variant Classification (06012015). Collection method: clinical testing. Allele origin: germline. Affected: yes.
Comment: This variant is considered likely benign or benign based on one or more of the following criteria: it is a conservative change, it occurs at a poorly conserved position in the protein, it is predicted to be benign by multiple in silico algorithms, and/or has population frequency not consistent with disease.

NM_032119.4(ADGRV1):c.14972+231T>G

Gene: ADGRV1 (adhesion G protein-coupled receptor V1; plus strand). Cytogenetic location: 5q14.3.
Variant type: single nucleotide variant.
Coding change: c.14972+231T>G on transcript NM_032119.4 (MANE Select); 231 bases into the intron after coding-DNA position 14972, T replaced by G.
Molecular consequence: intron variant.
Genome position (GRCh38, 1-based): chr5:90,807,968, T>G. VCF-style: chr5-90807968-T-G. GRCh37 (hg19) VCF-style: chr5-90103785-T-G.
Identifiers: ClinVar variation 678810 (VCV000678810.1), dbSNP rs2438373, ClinGen allele CA15367591.
Genomic context (GRCh38, chr5:90,807,968, plus strand): 5'-GCCCCACCACCCACTGTTTGCTCTAAAGAGAGCTCCTCATGCCCCACCTTGAGAATGGGG[T>G]CTGGGGTACCATCTCCACTAAGAGCCATGATGGCAGTTCTCCTCTTGTTAAAGACAGCTA-3'